The following is an entry in ClinVar:

ClinVar aggregate classification (germline): Uncertain significance. Review status: criteria provided, multiple submitters, no conflicts (2 of 4 stars). 2 submissions from 2 submitters: Uncertain significance (2). Last evaluated 2022-06-04.

Conditions:
Myopathy, proximal, and ophthalmoplegia (CMYO6). Also called: INCLUSION BODY MYOPATHY 3, AUTOSOMAL DOMINANT; CONGENITAL MYOPATHY 6 WITH OPHTHALMOPLEGIA; MYOPATHY WITH CONGENITAL JOINT CONTRACTURES, OPHTHALMOPLEGIA, AND RIMMED VACUOLES. Identifiers: Orphanet 363677, Orphanet 79091, MedGen C1854106, MONDO:0011577, OMIM 605637.

Allele frequency attached by ClinVar (database versions not stated): TOPMed below 0.00001.

Submissions (2):

Labcorp Genetics (formerly Invitae), Labcorp
Classification: Uncertain significance for Myopathy, proximal, and ophthalmoplegia. Last evaluated: 2022-06-04. Review status: criteria provided, single submitter. Criteria: Invitae Variant Classification Sherloc (09022015). Collection method: clinical testing. Allele origin: germline.
Comment: In summary, the available evidence is currently insufficient to determine the role of this variant in disease. Therefore, it has been classified as a Variant of Uncertain Significance. Algorithms developed to predict the effect of missense changes on protein structure and function (SIFT, PolyPhen-2, Align-GVGD) all suggest that this variant is likely to be tolerated. ClinVar contains an entry for this variant (Variation ID: 465945). This variant has not been reported in the literature in individuals affected with MYH2-related conditions. This variant is not present in population databases (gnomAD no frequency). This sequence change replaces valine, which is neutral and non-polar, with isoleucine, which is neutral and non-polar, at codon 1832 of the MYH2 protein (p.Val1832Ile).

Baylor Genetics
Classification: Uncertain significance for Myopathy, proximal, and ophthalmoplegia. Last evaluated: 2022-06-02. Review status: criteria provided, single submitter. Criteria: ACMG Guidelines, 2015. Collection method: clinical testing. Allele origin: unknown.

NM_017534.6(MYH2):c.5494G>A (p.Val1832Ile)

Genes: MYHAS (myosin heavy chain gene cluster antisense RNA; plus strand), MYH2 (myosin heavy chain 2; minus strand). Cytogenetic location: 17p13.1.
Variant type: single nucleotide variant.
Coding change: c.5494G>A on transcript NM_017534.6 (MANE Select); coding-DNA position 5494, G replaced by A.
Protein change: p.Val1832Ile; replaces valine 1832 with isoleucine.
Molecular consequence: missense variant.
Genome position (GRCh38, 1-based): chr17:10,523,391, C>T on the plus strand (G>A on the coding strand, the complement: MYH2 is on the minus strand). VCF-style: chr17-10523391-C-T. GRCh37 (hg19) VCF-style: chr17-10426708-C-T.
Other names: c.5494G>A, p.Val1832Ile (NM_001100112.2); short protein forms V1832I.
Identifiers: ClinVar variation 465945 (VCV000465945.6), dbSNP rs1462537897, ClinGen allele CA398115339.